The following is an entry in ClinVar:

ClinVar aggregate classification (germline): Uncertain significance (1 of 4 stars; one submission).

Allele frequency attached by ClinVar (database versions not stated): TOPMed below 0.00001; gnomAD 0.00001.

Submission:

Laboratory for Molecular Medicine, Mass General Brigham Personalized Medicine
Classification: Uncertain significance. Last evaluated: 2014-06-17. Review status: criteria provided, single submitter. Criteria: LMM Criteria. Collection method: clinical testing. Allele origin: germline. Observed: 1 variant allele.
Comment: The Lys153Ile variant in ANKRD1 has not been previously reported in individuals with cardiomyopathy or in large population studies. Computational prediction too ls and conservation analysis suggest that this variant may impact the protein, t hough this information is not predictive enough to determine pathogenicity. In s ummary, the clinical significance of the Lys153Ile variant is uncertain.

NM_014391.3(ANKRD1):c.458A>T (p.Lys153Ile)

Gene: ANKRD1 (ankyrin repeat domain 1; minus strand). Cytogenetic location: 10q23.31.
Variant type: single nucleotide variant.
Coding change: c.458A>T on transcript NM_014391.3 (MANE Select); coding-DNA position 458, A replaced by T.
Protein change: p.Lys153Ile; replaces lysine 153 with isoleucine.
Molecular consequence: missense variant.
Genome position (GRCh38, 1-based): chr10:90,917,826, T>A on the plus strand (A>T on the coding strand, the complement: ANKRD1 is on the minus strand). VCF-style: chr10-90917826-T-A. GRCh37 (hg19) VCF-style: chr10-92677583-T-A.
Other names: short protein forms K153I.
Identifiers: ClinVar variation 162747 (VCV000162747.8), dbSNP rs727502889, ClinGen allele CA175243.
Genomic context (GRCh38, chr10:90,917,826, plus strand): 5'-ATTAACTTCTCCACAATTGCCAAATGTCCTTCCAAGCATGCTCTATGAAGAGCTGTCCGT[T>A]TATACTATCAGAACAGAGATTTTAAACAGAGATAGCAATAAATATAAAAATGTGTGTAAA-3'
Protein context (NP_055206.2, residues 143-163): KNNPDVCDEY[Lys153Ile]RTALHRACLE